The following is an entry in ClinVar:

ClinVar aggregate classification (germline): Uncertain significance (1 of 4 stars; one submission).

Conditions:
Cardiovascular phenotype. Identifiers: MedGen CN230736.
Hereditary cancer-predisposing syndrome. Also called: Hereditary Cancer Syndrome; Hereditary neoplastic syndrome; Neoplastic Syndromes, Hereditary; Tumor predisposition. Identifiers: Orphanet 140162, MedGen C0027672, MeSH D009386, MONDO:0015356.

Allele frequency attached by ClinVar (database versions not stated): gnomAD exomes below 0.00001.
gnomAD v4.1: 1 of 1,604,162 alleles (0.000062%); highest among the groups gnomAD compares: South Asian, 0.0011%; no homozygotes.

Submission:

Ambry Genetics
Classification: Uncertain significance for Cardiovascular phenotype; Hereditary cancer-predisposing syndrome. Last evaluated: 2022-01-05. Review status: criteria provided, single submitter. Criteria: Ambry Variant Classification Scheme 2023. Collection method: clinical testing. Allele origin: germline.
Comment: The p.T1435I variant (also known as c.4304C>T), located in coding exon 32 of the NF1 gene, results from a C to T substitution at nucleotide position 4304. The threonine at codon 1435 is replaced by isoleucine, an amino acid with similar properties. This amino acid position is highly conserved in available vertebrate species. In addition, this alteration is predicted to be deleterious by in silico analysis. Since supporting evidence is limited at this time, the clinical significance of this alteration remains unclear.

NM_001042492.3(NF1):c.4367C>T (p.Thr1456Ile)

Gene: NF1 (neurofibromin 1; plus strand). Cytogenetic location: 17q11.2.
Variant type: single nucleotide variant.
Coding change: c.4367C>T on transcript NM_001042492.3 (MANE Select); coding-DNA position 4367, C replaced by T.
Protein change: p.Thr1456Ile; replaces threonine 1456 with isoleucine.
Molecular consequence: missense variant.
Genome position (GRCh38, 1-based): chr17:31,259,066, C>T. VCF-style: chr17-31259066-C-T. GRCh37 (hg19) VCF-style: chr17-29586084-C-T.
Other names: c.4304C>T, p.Thr1435Ile (NM_000267.4); short protein forms T1435I, T1456I.
Identifiers: ClinVar variation 1739576 (VCV001739576.2), dbSNP rs2508413713, ClinGen allele CA398998794.
Genomic context (GRCh38, chr17:31,259,066, plus strand): 5'-ATTTATAACCCTGTTTTATTGTGTAGATACTTCAGAGTATTGCCAATCATGTTCTCTTCA[C>T]AAAAGAAGAACATATGCGGCCTTTCAATGATTTTGTGAAAAGCAACTTTGATGCAGCACG-3'
Protein context (NP_001035957.1, residues 1446-1466): LQSIANHVLF[Thr1456Ile]KEEHMRPFND